The following is an entry in ClinVar:

ClinVar aggregate classification (germline): Uncertain significance (1 of 4 stars; one submission).

Conditions:
Hypercholesterolemia, autosomal dominant, 3 (FHCL3). Also called: Familial Hypercholesterolemia, Autosomal Dominant, 3; PCSK9-Related Familial Hypercholesterolemia, Autosomal Dominant; Familial hypercholesterolemia 3. Identifiers: MedGen C1863551, MONDO:0011369, OMIM 603776.

Submission:

Labcorp Genetics (formerly Invitae), Labcorp
Classification: Uncertain significance for Hypercholesterolemia, autosomal dominant, 3. Last evaluated: 2017-04-03. Review status: criteria provided, single submitter. Criteria: Invitae Variant Classification Sherloc (09022015). Collection method: clinical testing. Allele origin: germline.
Comment: In summary, this variant is a novel in-frame deletion that affects residues important for normal PCSK9 activity. This evidence suggests that the variant is causative of hypocholesterolemia, however the available evidence is currently insufficient to prove that conclusively. Therefore, this variant has been classified as a Variant of Uncertain Significance. Loss-of-function variants in PCSK9 are known to cause hypocholesterolemia (PMID: 19351729). A missense substitution within this exon (p.Gly106Arg) has been shown to segregate with hypocholesterolemia and was functionally confirmed as being loss-of-function (PMID: 16424354, 16571601). This suggests that the glycine residue is critical for PCSK9 protein function and the loss of this exon will lead to impaired PCSK9 activity. This variant is not present in population databases and has not been reported in the literature in individuals with a PCSK9-related disease. This variant is an in-frame deletion of the genomic region encompassing exons 2 of the PCSK9 gene. It preserves the integrity of the reading frame.

Literature cited by the submitters: PubMed 19351729; PubMed 16424354; PubMed 16571601.

NC_000001.11:g.(?_55043823)_(55044054_?)del

Gene: PCSK9 (proprotein convertase subtilisin/kexin type 9; plus strand). Cytogenetic location: 1p32.3.
Variant type: Deletion.
Identifiers: ClinVar variation 468292 (VCV000468292.10).